The following is an entry in ClinVar:

ClinVar aggregate classification (germline): Uncertain significance (1 of 4 stars; one submission).

Allele frequency attached by ClinVar (database versions not stated): gnomAD exomes below 0.00001.
gnomAD v4.1: 1 of 1,597,084 alleles (0.000063%); highest among the groups gnomAD compares: Non-Finnish European, 0.000086%; no homozygotes.

Submission:

Labcorp Genetics (formerly Invitae), Labcorp
Classification: Uncertain significance. Last evaluated: 2020-12-03. Review status: criteria provided, single submitter. Criteria: Invitae Variant Classification Sherloc (09022015). Collection method: clinical testing. Allele origin: germline.
Comment: Algorithms developed to predict the effect of missense changes on protein structure and function are either unavailable or do not agree on the potential impact of this missense change (SIFT: "Deleterious"; PolyPhen-2: "Possibly Damaging"; Align-GVGD: "Class C0"). Algorithms developed to predict the effect of sequence changes on RNA splicing suggest that this variant may create or strengthen a splice site, but this prediction has not been confirmed by published transcriptional studies. In summary, the available evidence is currently insufficient to determine the role of this variant in disease. Therefore, it has been classified as a Variant of Uncertain Significance. This sequence change replaces aspartic acid with glutamic acid at codon 343 of the MSH3 protein (p.Asp343Glu). The aspartic acid residue is highly conserved and there is a small physicochemical difference between aspartic acid and glutamic acid. This variant is not present in population databases (ExAC no frequency). This variant has not been reported in the literature in individuals with MSH3-related conditions.

NM_002439.5(MSH3):c.1029T>A (p.Asp343Glu)

Gene: MSH3 (mutS homolog 3; plus strand). Cytogenetic location: 5q14.1.
Variant type: single nucleotide variant.
Coding change: c.1029T>A on transcript NM_002439.5 (MANE Select); coding-DNA position 1029, T replaced by A.
Protein change: p.Asp343Glu; replaces aspartic acid 343 with glutamic acid.
Molecular consequence: missense variant.
Genome position (GRCh38, 1-based): chr5:80,674,984, T>A. VCF-style: chr5-80674984-T-A. GRCh37 (hg19) VCF-style: chr5-79970803-T-A.
Other names: short protein forms D343E.
Identifiers: ClinVar variation 1475289 (VCV001475289.8), dbSNP rs2112815906, ClinGen allele CA360267814.